The following is an entry in ClinVar:

NM_007126.5(VCP):c.811+2_811+3inv

Gene: VCP (valosin containing protein; minus strand). Cytogenetic location: 9p13.3.
Variant type: Inversion.
Coding change: c.811+2_811+3inv on transcript NM_007126.5 (MANE Select).
Molecular consequence: splice donor variant.
Genome position: GRCh38 VCF-style: chr9-35062975-CA-TG. GRCh37 (hg19) VCF-style: chr9-35062972-CA-TG.
Other names: c.676+2_676+3inv (NM_001354927.2, NM_001354928.2).
Identifiers: ClinVar variation 464111 (VCV000464111.10), ClinGen allele CA658657870.

ClinVar aggregate classification (germline): Uncertain significance (1 of 4 stars; one submission).

Conditions:
Inclusion body myopathy with Paget disease of bone and frontotemporal dementia. Also called: Inclusion body myopathy with early-onset Paget disease and frontotemporal dementia. Identifiers: Orphanet 52430, MedGen C1833662, MONDO:0000507.
Frontotemporal dementia and/or amyotrophic lateral sclerosis 6 (FTDALS6). Also called: VCP-Related Amyotrophic Lateral Sclerosis; VCP-Related Amyotrophic Lateral Sclerosis/Frontotemporal Dementia. Identifiers: Orphanet 275872, Orphanet 803, MedGen C5436279, MONDO:0013501, OMIM 613954.

Submission:

Labcorp Genetics (formerly Invitae), Labcorp
Classification: Uncertain significance for Inclusion body myopathy with Paget disease of bone and frontotemporal dementia; Frontotemporal dementia and/or amyotrophic lateral sclerosis 6. Last evaluated: 2025-10-08. Review status: criteria provided, single submitter. Criteria: Invitae Variant Classification Sherloc (09022015). Collection method: clinical testing. Allele origin: germline.
Comment: This sequence change affects a splice site in intron 7 of the VCP gene. It is expected to disrupt RNA splicing. Variants that disrupt the donor or acceptor splice site typically lead to a loss of protein function (PMID: 16199547), and loss-of-function variants in VCP are known to be pathogenic (PMID: 37883978). Information on the frequency of this variant in the gnomAD database is not available, as this variant may be reported differently in the database. This variant has not been reported in the literature in individuals affected with VCP-related conditions. ClinVar contains an entry for this variant (Variation ID: 464111). In summary, the available evidence is currently insufficient to determine the role of this variant in disease. Therefore, it has been classified as a Variant of Uncertain Significance.

Literature cited by the submitters: PubMed 16199547; PubMed 37883978.